The following is an entry in ClinVar:

NM_002156.5(HSPD1):c.86A>G (p.Asp29Gly)

Gene: HSPD1 (heat shock protein family D (Hsp60) member 1; minus strand). Cytogenetic location: 2q33.1.
Variant type: single nucleotide variant.
Coding change: c.86A>G on transcript NM_002156.5 (MANE Select); coding-DNA position 86, A replaced by G.
Protein change: p.Asp29Gly; replaces aspartic acid 29 with glycine.
Molecular consequence: missense variant.
Genome position (GRCh38, 1-based): chr2:197,498,763, T>C on the plus strand (A>G on the coding strand, the complement: HSPD1 is on the minus strand). VCF-style: chr2-197498763-T-C. GRCh37 (hg19) VCF-style: chr2-198363487-T-C.
Other names: c.86A>G, p.Asp29Gly (NM_199440.2); short protein forms D29G.
Identifiers: ClinVar variation 17558 (VCV000017558.2), dbSNP rs72466451, ClinGen allele CA127253.

ClinVar aggregate classification (germline): Pathogenic. Review status: criteria provided, single submitter (1 of 4 stars). 2 submissions from 2 submitters: Pathogenic (1). 1 of the submissions does not count toward it. Last evaluated 2025-01-13.

Conditions:
Leukodystrophy. Identifiers: Orphanet 68356, MedGen C0023520, MONDO:0019046, HP:0002415.
Leukodystrophy, hypomyelinating, 4. Also called: MITCHAP60 DISEASE; MITOCHONDRIAL HSP60 CHAPERONOPATHY. Identifiers: Orphanet 280270, Orphanet 280288, MedGen C2677109, MONDO:0012824, OMIM 612233.

Submissions (2):

Clinical Genetics Laboratory, Skane University Hospital Lund
Classification: Pathogenic for Leukodystrophy. Last evaluated: 2025-01-13. Review status: criteria provided, single submitter. Criteria: ACMG Guidelines, 2015. Collection method: clinical testing. Allele origin: biparental. Inheritance: Autosomal recessive inheritance. Affected: yes.
Comment: ACMG criteria used: PS3 (PMID: 18571143, 19706612, 25957474), PM2, PM3_Supporting, PP1_Strong (PMID: 18571143), PP3

OMIM
Classification: Pathogenic for LEUKODYSTROPHY, HYPOMYELINATING, 4. Last evaluated: 2008-07-01. Review status: no assertion criteria provided. Collection method: literature only. Allele origin: germline. Not counted in ClinVar's aggregate classification.

Literature cited by the submitters: PubMed 18571143 (cited by OMIM); PubMed 27405012 (cited by OMIM).